The following is an entry in ClinVar:

ClinVar aggregate classification (germline): Uncertain significance (1 of 4 stars; one submission).

Submission:

GeneDx
Classification: Uncertain significance. Last evaluated: 2024-11-26. Review status: criteria provided, single submitter. Criteria: GeneDx Variant Classification Process June 2021. Collection method: clinical testing. Allele origin: germline. Affected: yes.
Comment: Not observed at significant frequency in large population cohorts (gnomAD); In silico analysis indicates that this missense variant does not alter protein structure/function; Has not been previously published as pathogenic or benign to our knowledge; In silico analysis suggests this variant may impact gene splicing. In the absence of RNA/functional studies, the actual effect of this sequence change is unknown.

NM_001999.4(FBN2):c.5933G>C (p.Ser1978Thr)

Gene: FBN2 (fibrillin 2; minus strand). Cytogenetic location: 5q23.3.
Variant type: single nucleotide variant.
Coding change: c.5933G>C on transcript NM_001999.4 (MANE Select); coding-DNA position 5933, G replaced by C.
Protein change: p.Ser1978Thr; replaces serine 1978 with threonine.
Molecular consequence: missense variant.
Genome position (GRCh38, 1-based): chr5:128,301,495, C>G on the plus strand (G>C on the coding strand, the complement: FBN2 is on the minus strand). VCF-style: chr5-128301495-C-G. GRCh37 (hg19) VCF-style: chr5-127637187-C-G.
Other names: short protein forms S1978T.
Identifiers: ClinVar variation 3900187 (VCV003900187.1).